The following is an entry in ClinVar:

ClinVar aggregate classification (germline): Pathogenic. Review status: criteria provided, multiple submitters, no conflicts (2 of 4 stars). 3 submissions from 3 submitters: Pathogenic (3). Last evaluated 2026-02-05.

Conditions:
Hereditary cancer-predisposing syndrome. Also called: Neoplastic Syndromes, Hereditary; Tumor predisposition; Hereditary neoplastic syndrome; Hereditary Cancer Syndrome. Identifiers: Orphanet 140162, MedGen C0027672, MeSH D009386, MONDO:0015356.
Hereditary diffuse gastric adenocarcinoma (HDGC). Also called: DIFFUSE GASTRIC AND LOBULAR BREAST CANCER SYNDROME. Identifiers: Orphanet 26106, MedGen C1708349, MONDO:0007648, OMIM 137215.

Submissions (3):

Myriad Genetics, Inc.
Classification: Pathogenic for Hereditary diffuse gastric adenocarcinoma. Last evaluated: 2026-02-05. Review status: criteria provided, single submitter. Criteria: Myriad Autosomal Dominant, Autosomal Recessive and X-Linked Classification Criteria (2023). Collection method: clinical testing. Allele origin: unknown.
Comment: This variant is considered pathogenic. This variant creates a termination codon and is predicted to result in premature protein truncation.

Ambry Genetics
Classification: Pathogenic for Hereditary cancer-predisposing syndrome. Last evaluated: 2025-07-01. Review status: criteria provided, single submitter. Criteria: Ambry Variant Classification Scheme 2023. Collection method: clinical testing. Allele origin: germline.
Comment: The p.K193* pathogenic mutation (also known as c.577A>T), located in coding exon 4 of the CTNNA1 gene, results from an A to T substitution at nucleotide position 577. This changes the amino acid from a lysine to a stop codon within coding exon 4. This variant is considered to be rare based on population cohorts in the Genome Aggregation Database (gnomAD). This alteration is expected to result in loss of function by premature protein truncation or nonsense-mediated mRNA decay. As such, this alteration is interpreted as a disease-causing mutation.

Labcorp Genetics (formerly Invitae), Labcorp
Classification: Pathogenic. Last evaluated: 2025-01-23. Review status: criteria provided, single submitter. Criteria: Invitae Variant Classification Sherloc (09022015). Collection method: clinical testing. Allele origin: germline.
Comment: This sequence change creates a premature translational stop signal (p.Lys193*) in the CTNNA1 gene. It is expected to result in an absent or disrupted protein product. Loss-of-function variants in CTNNA1 are known to be pathogenic (PMID: 32051609, 34425242). This variant is not present in population databases (gnomAD no frequency). This variant has not been reported in the literature in individuals affected with CTNNA1-related conditions. ClinVar contains an entry for this variant (Variation ID: 2446936). For these reasons, this variant has been classified as Pathogenic.

Literature cited by the submitters: PubMed 32051609 (cited by Labcorp Genetics (formerly Invitae), Labcorp); PubMed 34425242 (cited by Labcorp Genetics (formerly Invitae), Labcorp).

NM_001903.5(CTNNA1):c.577A>T (p.Lys193Ter)

Gene: CTNNA1 (catenin alpha 1; plus strand). Cytogenetic location: 5q31.2.
Variant type: single nucleotide variant.
Coding change: c.577A>T on transcript NM_001903.5 (MANE Select); coding-DNA position 577, A replaced by T.
Protein change: p.Lys193Ter; replaces lysine 193 with a stop codon.
Molecular consequence: nonsense.
Genome position (GRCh38, 1-based): chr5:138,812,291, A>T. VCF-style: chr5-138812291-A-T. GRCh37 (hg19) VCF-style: chr5-138147980-A-T.
Other names: c.577A>T, p.Lys193Ter (NM_001290307.3, NM_001323982.2, NM_001323983.1 and 3 more transcripts); c.268A>T, p.Lys90Ter (NM_001290309.3); c.208A>T, p.Lys70Ter (NM_001290310.3); short protein forms K193*, K70*, K90*.
Identifiers: ClinVar variation 2446936 (VCV002446936.6), dbSNP rs2532349558, ClinGen allele CA361125649.
Genomic context (GRCh38, chr5:138,812,291, plus strand): 5'-TTAGGAATCCAGTATAAAGCCCTAAAACCTGAAGTGGATAAGCTGAACATTATGGCAGCC[A>T]AAAGACAACAGGTACAGTCATGATTTGGGGATATATTAAAGTTGTTCATTTTACTATCTA-3'